The following is an entry in ClinVar:

ClinVar aggregate classification (germline): Pathogenic (1 of 4 stars; one submission).

Conditions:
Developmental delay with autism spectrum disorder and gait instability (MRT38). Also called: Intellectual developmental disorder, autosomal recessive 38. Identifiers: Orphanet 329195, MedGen C3809753, MONDO:0014224, OMIM 615516.

Allele frequency attached by ClinVar (database versions not stated): gnomAD exomes below 0.00001; ExAC 0.00001.
gnomAD v4.1: 1 of 1,613,914 alleles (0.000062%); highest among the groups gnomAD compares: Non-Finnish European, 0.000085%; no homozygotes.

Submission:

New York Genome Center
Classification: Pathogenic for Developmental delay with autism spectrum disorder and gait instability. Last evaluated: 2021-04-09. Review status: criteria provided, single submitter. Criteria: NYGC Assertion Criteria 2020. Collection method: clinical testing. Allele origin: de novo. Observed: 1 variant allele. Study: CSER-NYCKidSeq.
Comment: The de novo heterozygous c.1168C>T (p.Arg390Ter) stop-gained variant identified in exon 10 (of 93) of the HERC2 gene has not been reported in affected individuals in the literature. The variant creates a premature translation termination codon and is predicted to cause loss of normal protein function either through protein truncation or nonsense-mediated mRNA decay. The variant is absent from the gnomAD database suggesting it is not a common benign variant in the populations represented in that database. Based on the available evidence, the de novo heterozygous c.1168C>T (p.Arg390Ter) stop-gained variant identified in HERC2 gene is reported as Pathogenic.

NM_004667.6(HERC2):c.1168C>T (p.Arg390Ter)

Gene: HERC2 (HECT and RLD domain containing E3 ubiquitin protein ligase 2; minus strand). Cytogenetic location: 15q13.1.
Variant type: single nucleotide variant.
Coding change: c.1168C>T on transcript NM_004667.6 (MANE Select); coding-DNA position 1168, C replaced by T.
Protein change: p.Arg390Ter; replaces arginine 390 with a stop codon.
Molecular consequence: nonsense.
Genome position (GRCh38, 1-based): chr15:28,270,784, G>A on the plus strand (C>T on the coding strand, the complement: HERC2 is on the minus strand). VCF-style: chr15-28270784-G-A. GRCh37 (hg19) VCF-style: chr15-28515930-G-A.
Other names: short protein forms R390*.
Identifiers: ClinVar variation 1342429 (VCV001342429.1), dbSNP rs756221917, ClinGen allele CA7443544.